The following is an entry in ClinVar:

ClinVar aggregate classification (germline): Likely benign. Review status: criteria provided, multiple submitters, no conflicts (2 of 4 stars). 4 submissions from 4 submitters: Likely benign (3). 1 of the submissions does not count toward it. Last evaluated 2025-10-27.

Conditions:
Inborn genetic diseases. Identifiers: MedGen C0950123, MeSH D030342.
DCTN1-related disorder. Also called: DCTN1-related condition.
Perry syndrome. Also called: PARKINSONISM WITH ALVEOLAR HYPOVENTILATION AND MENTAL DEPRESSION. Identifiers: Orphanet 178509, MedGen C1868594, MONDO:0008201, OMIM 168605.
Neuronopathy, distal hereditary motor, type 7B. Also called: HMN VIIB; LOWER MOTOR NEURON DISEASE, DYNACTIN TYPE; NEURONOPATHY, DISTAL HEREDITARY MOTOR, AUTOSOMAL DOMINANT 14; NEURONOPATHY, DISTAL HEREDITARY MOTOR, HARDING TYPE VIIB; NEUROPATHY, DISTAL HEREDITARY MOTOR, HARDING TYPE VIIB; NEUROPATHY, DISTAL HEREDITARY MOTOR, WITH VOCAL CORD PARALYSIS, HARDING TYPE VIIB. Identifiers: Orphanet 139589, MedGen C1843315, MONDO:0011879, OMIM 607641.
Amyotrophic lateral sclerosis type 1 (ALS1). Also called: AMYOTROPHIC LATERAL SCLEROSIS 1, FAMILIAL. Identifiers: Orphanet 803, MedGen C1862939, MONDO:0007103, OMIM 105400.

Allele frequency attached by ClinVar (database versions not stated): ExAC 0.00001; gnomAD 0.00002; gnomAD exomes 0.00002 and 0.00003; TOPMed 0.00002.
gnomAD v4.1: 52 of 1,612,872 alleles (0.0032%); highest among the groups gnomAD compares: Non-Finnish European, 0.0042%; no homozygotes.

Submissions (4):

Labcorp Genetics (formerly Invitae), Labcorp
Classification: Likely benign for Amyotrophic lateral sclerosis type 1; Neuronopathy, distal hereditary motor, type 7B; Perry syndrome. Last evaluated: 2025-10-27. Review status: criteria provided, single submitter. Criteria: Invitae Variant Classification Sherloc (09022015). Collection method: clinical testing. Allele origin: germline.

CeGaT Center for Human Genetics Tuebingen
Classification: Likely benign. Last evaluated: 2025-10-01. Review status: criteria provided, single submitter. Criteria: CeGaT Center For Human Genetics Tuebingen Variant Classification Criteria Version 2. Collection method: clinical testing. Allele origin: germline. Affected: yes. Observed: 1 variant allele.
Comment: DCTN1: BP4, BP7

Ambry Genetics
Classification: Likely benign for Inborn genetic diseases. Last evaluated: 2019-07-11. Review status: criteria provided, single submitter. Criteria: Ambry Variant Classification Scheme 2023. Collection method: clinical testing. Allele origin: germline.

PreventionGenetics, part of Exact Sciences
Classification: Likely benign for DCTN1-related condition. Last evaluated: 2024-07-12. Review status: no assertion criteria provided. Collection method: clinical testing. Allele origin: germline. Not counted in ClinVar's aggregate classification.
Comment: This variant is classified as likely benign based on ACMG/AMP sequence variant interpretation guidelines (Richards et al. 2015 PMID: 25741868, with internal and published modifications).

NM_004082.5(DCTN1):c.1926G>A (p.Leu642=)

Gene: DCTN1 (dynactin subunit 1; minus strand). Cytogenetic location: 2p13.1.
Variant type: single nucleotide variant.
Coding change: c.1926G>A on transcript NM_004082.5 (MANE Select); coding-DNA position 1926, G replaced by A.
Protein change: p.Leu642=; no amino-acid change (leucine 642 retained).
Molecular consequence: synonymous variant. On other transcripts: non-coding transcript variant (1).
Genome position (GRCh38, 1-based): chr2:74,368,060, C>T on the plus strand (G>A on the coding strand, the complement: DCTN1 is on the minus strand). VCF-style: chr2-74368060-C-T. GRCh37 (hg19) VCF-style: chr2-74595187-C-T.
Other names: c.1866G>A, p.Leu622= (NM_001135040.3); c.1524G>A, p.Leu508= (NM_001135041.3, NM_023019.4); c.1815G>A, p.Leu605= (NM_001190836.2); c.1905G>A, p.Leu635= (NM_001190837.2); c.1875G>A, p.Leu625= (NM_001378991.1); c.1857G>A, p.Leu619= (NM_001378992.1).
Identifiers: ClinVar variation 536171 (VCV000536171.21), dbSNP rs758298791, ClinGen allele CA1721999.